The following is an entry in ClinVar:

ClinVar aggregate classification (germline): Benign/Likely benign. Review status: criteria provided, multiple submitters, no conflicts (2 of 4 stars). 3 submissions from 3 submitters: Benign (1); Likely benign (2). Last evaluated 2026-01-08.

Conditions:
AP4M1-related disorder. Also called: AP4M1-related condition.
Hereditary spastic paraplegia 50 (SPG50). Also called: Spastic paraplegia 50, autosomal recessive. Identifiers: Orphanet 280763, MedGen C2752008, MONDO:0013048, OMIM 612936.

Allele frequency attached by ClinVar (database versions not stated): gnomAD exomes 0.00013 and 0.00045; gnomAD 0.00029; ExAC 0.00038; 1000 Genomes Project 30x 0.00047; TOPMed 0.00056; 1000 Genomes Project 0.00060.
gnomAD v4.1: 244 of 1,614,126 alleles (0.015%); highest among the groups gnomAD compares: East Asian, 0.44%; 1 homozygote.

Submissions (3):

Labcorp Genetics (formerly Invitae), Labcorp
Classification: Benign for Hereditary spastic paraplegia 50. Last evaluated: 2026-01-08. Review status: criteria provided, single submitter. Criteria: Invitae Variant Classification Sherloc (09022015). Collection method: clinical testing. Allele origin: germline.

PreventionGenetics, part of Exact Sciences
Classification: Likely benign for AP4M1-related condition. Last evaluated: 2025-05-29. Review status: criteria provided, single submitter. Criteria: ACMG Guidelines, 2015. Collection method: clinical testing. Allele origin: germline.
Comment: This variant is classified as likely benign based on ACMG/AMP sequence variant interpretation guidelines (Richards et al. 2015 PMID: 25741868, with internal and published modifications).

Blueprint Genetics
Classification: Likely benign. Last evaluated: 2024-10-08. Review status: criteria provided, single submitter. Criteria: ACMG Guidelines, 2015. Collection method: clinical testing. Allele origin: germline.

NM_004722.4(AP4M1):c.960C>T (p.Asp320=)

Gene: AP4M1 (adaptor related protein complex 4 subunit mu 1; plus strand). Cytogenetic location: 7q22.1.
Variant type: single nucleotide variant.
Coding change: c.960C>T on transcript NM_004722.4 (MANE Select); coding-DNA position 960, C replaced by T.
Protein change: p.Asp320=; no amino-acid change (aspartic acid 320 retained).
Molecular consequence: synonymous variant.
Genome position (GRCh38, 1-based): chr7:100,105,989, C>T. VCF-style: chr7-100105989-C-T. GRCh37 (hg19) VCF-style: chr7-99703612-C-T.
Other names: c.981C>T, p.Asp327= (NM_001363671.2).
Identifiers: ClinVar variation 696531 (VCV000696531.13), dbSNP rs371162812, ClinGen allele CA4374882.
Genomic context (GRCh38, chr7:100,105,989, plus strand): 5'-TGAGTCGTGGTGTTTTACCCTCTCATCCAGGCTCCAGGTTTATCTAAAGTTGCGATGTGA[C>T]CTGCTCTCAAAGAGGTAAGAGTGAGGCTGGCCTGGCTGAGTTCAGCTCTATGGGACGGAA-3'
Protein context (NP_004713.2, residues 310-330): RLQVYLKLRC[Asp320=]LLSKSQALNV